The following is an entry in ClinVar:

NM_182914.3(SYNE2):c.2191G>A (p.Gly731Arg)

Gene: SYNE2 (spectrin repeat containing nuclear envelope protein 2; plus strand). Cytogenetic location: 14q23.2.
Variant type: single nucleotide variant.
Coding change: c.2191G>A on transcript NM_182914.3 (MANE Select); coding-DNA position 2191, G replaced by A.
Protein change: p.Gly731Arg; replaces glycine 731 with arginine.
Molecular consequence: missense variant.
Genome position (GRCh38, 1-based): chr14:63,986,495, G>A. VCF-style: chr14-63986495-G-A. GRCh37 (hg19) VCF-style: chr14-64453213-G-A.
Other names: c.2191G>A, p.Gly731Arg (NM_015180.6); short protein forms G731R.
Identifiers: ClinVar variation 3682342 (VCV003682342.2).
Genomic context (GRCh38, chr14:63,986,495, plus strand): 5'-TGGTACTTTTGAATGTTGTAGGCTGGAGAGAAACATGAAAAAGAAAATGAAGAATTCACA[G>A]GGCAACTAAAAGTGGCTAAAGATGTTGAAAAACTCATTGGACAAGTGGAAATCTGGGAGG-3'
Protein context (NP_878918.2, residues 721-741): KHEKENEEFT[Gly731Arg]QLKVAKDVEK

ClinVar aggregate classification (germline): Uncertain significance (1 of 4 stars; one submission).

Conditions:
Emery-Dreifuss muscular dystrophy 5, autosomal dominant (EDMD5). Also called: EMERY-DREIFUSS MUSCULAR DYSTROPHY 5. Identifiers: Orphanet 261, MedGen C2751805, MONDO:0013072, OMIM 612999.

Submission:

Labcorp Genetics (formerly Invitae), Labcorp
Classification: Uncertain significance for Emery-Dreifuss muscular dystrophy 5, autosomal dominant. Last evaluated: 2024-06-07. Review status: criteria provided, single submitter. Criteria: Invitae Variant Classification Sherloc (09022015). Collection method: clinical testing. Allele origin: germline.
Comment: This sequence change replaces glycine, which is neutral and non-polar, with arginine, which is basic and polar, at codon 731 of the SYNE2 protein (p.Gly731Arg). This variant is not present in population databases (gnomAD no frequency). This variant has not been reported in the literature in individuals affected with SYNE2-related conditions. Algorithms developed to predict the effect of missense changes on protein structure and function output the following: SIFT: "Not Available"; PolyPhen-2: "Benign"; Align-GVGD: "Not Available". The arginine amino acid residue is found in multiple mammalian species, which suggests that this missense change does not adversely affect protein function. In summary, the available evidence is currently insufficient to determine the role of this variant in disease. Therefore, it has been classified as a Variant of Uncertain Significance.